The following is an entry in ClinVar:

ClinVar aggregate classification (germline): Uncertain significance (1 of 4 stars; one submission).

Conditions:
Cardiovascular phenotype. Identifiers: MedGen CN230736.

Allele frequency attached by ClinVar (database versions not stated): TOPMed below 0.00001; gnomAD 0.00001.
gnomAD v4.1: 2 of 1,612,276 alleles (0.00012%); highest among the groups gnomAD compares: African/African-American, 0.0027%; no homozygotes.

Submission:

Ambry Genetics
Classification: Uncertain significance for Cardiovascular phenotype. Last evaluated: 2019-05-31. Review status: criteria provided, single submitter. Criteria: Ambry Variant Classification Scheme 2023. Collection method: clinical testing. Allele origin: germline.
Comment: The p.G7369R variant (also known as c.22105G>C), located in coding exon 89 of the TTN gene, results from a G to C substitution at nucleotide position 22105. The glycine at codon 7369 is replaced by arginine, an amino acid with dissimilar properties. This amino acid position is highly conserved in available vertebrate species. In addition, the in silico prediction for this alteration is inconclusive. Since supporting evidence is limited at this time, the clinical significance of this alteration remains unclear.

NM_001267550.2(TTN):c.49300G>C (p.Gly16434Arg)

Genes: TTN (titin; minus strand), TTN-AS1 (TTN antisense RNA 1; plus strand). Cytogenetic location: 2q31.2.
Variant type: single nucleotide variant.
Coding change: c.49300G>C on transcript NM_001267550.2 (MANE Select); coding-DNA position 49300, G replaced by C.
Protein change: p.Gly16434Arg; replaces glycine 16434 with arginine.
Molecular consequence: missense variant. On other transcripts: non-coding transcript variant (1).
Genome position (GRCh38, 1-based): chr2:178,614,097, C>G on the plus strand (G>C on the coding strand, the complement: TTN is on the minus strand). VCF-style: chr2-178614097-C-G. GRCh37 (hg19) VCF-style: chr2-179478824-C-G.
Other names: c.44377G>C, p.Gly14793Arg (NM_001256850.1); c.22105G>C, p.Gly7369Arg (NM_003319.4); c.41596G>C, p.Gly13866Arg (NM_133378.4); c.22480G>C, p.Gly7494Arg (NM_133432.3); c.22681G>C, p.Gly7561Arg (NM_133437.4); short protein forms G7561R, G13866R, G16434R, G7494R, G14793R, G7369R.
Identifiers: ClinVar variation 1787758 (VCV001787758.2), dbSNP rs775667867, ClinGen allele CA349605417.